The following is an entry in ClinVar:

NM_006017.3(PROM1):c.260A>G (p.Lys87Arg)

Gene: PROM1 (prominin 1; minus strand). Cytogenetic location: 4p15.32.
Variant type: single nucleotide variant.
Coding change: c.260A>G on transcript NM_006017.3 (MANE Select); coding-DNA position 260, A replaced by G.
Protein change: p.Lys87Arg; replaces lysine 87 with arginine.
Molecular consequence: missense variant.
Genome position (GRCh38, 1-based): chr4:16,038,962, T>C on the plus strand (A>G on the coding strand, the complement: PROM1 is on the minus strand). VCF-style: chr4-16038962-T-C. GRCh37 (hg19) VCF-style: chr4-16040585-T-C.
Other names: c.260A>G, p.Lys87Arg (NM_001145847.2, NM_001145848.2, NM_001145849.2 and 6 more transcripts); short protein forms K87R.
Identifiers: ClinVar variation 2117703 (VCV002117703.4), dbSNP rs1276371478, ClinGen allele CA356430133.

ClinVar aggregate classification (germline): Uncertain significance (1 of 4 stars; one submission).

Allele frequency attached by ClinVar (database versions not stated): gnomAD exomes below 0.00001; gnomAD 0.00001; TOPMed 0.00001.
gnomAD v4.1: 6 of 1,500,520 alleles (0.0004%); highest among the groups gnomAD compares: East Asian, 0.0025%; no homozygotes.

Submission:

Labcorp Genetics (formerly Invitae), Labcorp
Classification: Uncertain significance. Last evaluated: 2024-11-04. Review status: criteria provided, single submitter. Criteria: Invitae Variant Classification Sherloc (09022015). Collection method: clinical testing. Allele origin: germline.
Comment: This sequence change replaces lysine, which is basic and polar, with arginine, which is basic and polar, at codon 87 of the PROM1 protein (p.Lys87Arg). This variant is present in population databases (no rsID available, gnomAD 0.06%). This variant has not been reported in the literature in individuals affected with PROM1-related conditions. ClinVar contains an entry for this variant (Variation ID: 2117703). Invitae Evidence Modeling of protein sequence and biophysical properties (such as structural, functional, and spatial information, amino acid conservation, physicochemical variation, residue mobility, and thermodynamic stability) indicates that this missense variant is not expected to disrupt PROM1 protein function with a negative predictive value of 80%. In summary, the available evidence is currently insufficient to determine the role of this variant in disease. Therefore, it has been classified as a Variant of Uncertain Significance.